The following is an entry in ClinVar:

NM_001014447.3(CPZ):c.1709G>A (p.Arg570Gln)

Gene: CPZ (carboxypeptidase Z; plus strand). Cytogenetic location: 4p16.1.
Variant type: single nucleotide variant.
Coding change: c.1709G>A on transcript NM_001014447.3 (MANE Select); coding-DNA position 1709, G replaced by A.
Protein change: p.Arg570Gln; replaces arginine 570 with glutamine.
Molecular consequence: missense variant.
Genome position (GRCh38, 1-based): chr4:8,619,367, G>A. VCF-style: chr4-8619367-G-A. GRCh37 (hg19) VCF-style: chr4-8621094-G-A.
Other names: c.1298G>A, p.Arg433Gln (NM_001014448.3); c.1676G>A, p.Arg559Gln (NM_003652.4); short protein forms R433Q, R559Q, R570Q.
Identifiers: ClinVar variation 3038742 (VCV003038742.2), dbSNP rs113699437, ClinGen allele CA2854059.

ClinVar aggregate classification (germline): Likely benign (0 of 4 stars; one submission).

Conditions:
CPZ-related disorder. Also called: CPZ-related condition.

Allele frequency attached by ClinVar (database versions not stated): ESP Exome Variant Server 0.00054.
gnomAD v4.1: 440 of 1,614,170 alleles (0.027%); highest among the groups gnomAD compares: Middle Eastern, 1.7%; 9 homozygotes.

Submission:

PreventionGenetics, part of Exact Sciences
Classification: Likely benign for CPZ-related condition. Last evaluated: 2022-03-28. Review status: no assertion criteria provided. Collection method: clinical testing. Allele origin: germline.
Comment: This variant is classified as likely benign based on ACMG/AMP sequence variant interpretation guidelines (Richards et al. 2015 PMID: 25741868, with internal and published modifications).